The following is an entry in ClinVar:

NM_000083.3(CLCN1):c.2944G>A (p.Asp982Asn)

Gene: CLCN1 (chloride voltage-gated channel 1; plus strand). Cytogenetic location: 7q34.
Variant type: single nucleotide variant.
Coding change: c.2944G>A on transcript NM_000083.3 (MANE Select); coding-DNA position 2944, G replaced by A.
Protein change: p.Asp982Asn; replaces aspartic acid 982 with asparagine.
Molecular consequence: missense variant. On other transcripts: non-coding transcript variant (1).
Genome position (GRCh38, 1-based): chr7:143,351,942, G>A. VCF-style: chr7-143351942-G-A. GRCh37 (hg19) VCF-style: chr7-143049035-G-A.
Other names: short protein forms D982N.
Identifiers: ClinVar variation 969423 (VCV000969423.6), dbSNP rs1803424950, ClinGen allele CA369654299.

ClinVar aggregate classification (germline): Uncertain significance (1 of 4 stars; one submission).

Conditions:
Congenital myotonia, autosomal dominant form (THD). Also called: THOMSEN DISEASE; Myotonia congenita autosomal dominant. Identifiers: Orphanet 614, MedGen C2936781, MONDO:0008055, OMIM 160800.
Congenital myotonia, autosomal recessive form. Also called: BECKER DISEASE; Becker Generalized Myotonia; myotonia congenita, autosomal recessive. Identifiers: Orphanet 614, MedGen C0751360, MONDO:0009715, OMIM 255700.

Allele frequency attached by ClinVar (database versions not stated): gnomAD exomes below 0.00001; TOPMed below 0.00001; gnomAD 0.00001.
gnomAD v4.1: 3 of 1,613,014 alleles (0.00019%); highest among the groups gnomAD compares: South Asian, 0.0022%; no homozygotes.

Submission:

Labcorp Genetics (formerly Invitae), Labcorp
Classification: Uncertain significance for Congenital myotonia, autosomal recessive form; Congenital myotonia, autosomal dominant form. Last evaluated: 2021-09-01. Review status: criteria provided, single submitter. Criteria: Invitae Variant Classification Sherloc (09022015). Collection method: clinical testing. Allele origin: germline.
Comment: This sequence change replaces aspartic acid with asparagine at codon 982 of the CLCN1 protein (p.Asp982Asn). The aspartic acid residue is moderately conserved and there is a small physicochemical difference between aspartic acid and asparagine. This variant is not present in population databases (ExAC no frequency). This variant has not been reported in the literature in individuals affected with CLCN1-related conditions. Algorithms developed to predict the effect of missense changes on protein structure and function are either unavailable or do not agree on the potential impact of this missense change (SIFT: "Tolerated"; PolyPhen-2: "Probably Damaging"; Align-GVGD: "Class C0"). In summary, the available evidence is currently insufficient to determine the role of this variant in disease. Therefore, it has been classified as a Variant of Uncertain Significance.